The following is an entry in ClinVar:

NM_001365276.2(TNXB):c.10450A>G (p.Arg3484Gly)

Gene: TNXB (tenascin XB; minus strand). Cytogenetic location: 6p21.33.
Variant type: single nucleotide variant.
Coding change: c.10450A>G on transcript NM_001365276.2 (MANE Select); coding-DNA position 10450, A replaced by G.
Protein change: p.Arg3484Gly; replaces arginine 3484 with glycine.
Molecular consequence: missense variant.
Genome position (GRCh38, 1-based): chr6:32,046,331, T>C on the plus strand (A>G on the coding strand, the complement: TNXB is on the minus strand). VCF-style: chr6-32046331-T-C. GRCh37 (hg19) VCF-style: chr6-32014108-T-C.
Other names: c.11191A>G, p.Arg3731Gly (NM_001428335.1); c.10444A>G, p.Arg3482Gly (NM_019105.8); short protein forms R3482G, R3484G, R3731G.
Identifiers: ClinVar variation 4687720 (VCV004687720.1).

ClinVar aggregate classification (germline): Uncertain significance (1 of 4 stars; one submission).

gnomAD v4.1: 10 of 1,605,980 alleles (0.00062%); highest among the groups gnomAD compares: Non-Finnish European, 0.00085%; no homozygotes.

Submission:

Women's Health and Genetics/Laboratory Corporation of America, LabCorp
Classification: Uncertain significance. Last evaluated: 2025-10-27. Review status: criteria provided, single submitter. Criteria: LabCorp Variant Classification Summary - May 2015. Collection method: clinical testing. Allele origin: germline.
Comment: Variant summary: TNXB c.10444A>G (p.Arg3482Gly) results in a non-conservative amino acid change in the encoded protein sequence. Algorithms developed to predict the effect of missense changes on protein structure and function are either unavailable or do not agree on the potential impact of this missense change. The variant allele was found at a frequency of 4.1e-06 in 244148 control chromosomes. The available data on variant occurrences in the general population are insufficient to allow any conclusion about variant significance. To our knowledge, no occurrence of c.10444A>G in individuals affected with TNXB-related conditions and no experimental evidence demonstrating its impact on protein function have been reported. No submitters have cited clinical-significance assessments for this variant to ClinVar. Based on the evidence outlined above, the variant was classified as uncertain significance.